The following is an entry in ClinVar:

NM_004667.6(HERC2):c.2481T>C (p.Cys827=)

Gene: HERC2 (HECT and RLD domain containing E3 ubiquitin protein ligase 2; minus strand). Cytogenetic location: 15q13.1.
Variant type: single nucleotide variant.
Coding change: c.2481T>C on transcript NM_004667.6 (MANE Select); coding-DNA position 2481, T replaced by C.
Protein change: p.Cys827=; no amino-acid change (cysteine 827 retained).
Molecular consequence: synonymous variant.
Genome position (GRCh38, 1-based): chr15:28,257,097, A>G on the plus strand (T>C on the coding strand, the complement: HERC2 is on the minus strand). VCF-style: chr15-28257097-A-G. GRCh37 (hg19) VCF-style: chr15-28502243-A-G.
Identifiers: ClinVar variation 5038812 (VCV005038812.1).

ClinVar aggregate classification (germline): Likely benign (1 of 4 stars; one submission).

gnomAD v4.1: 13 of 1,613,784 alleles (0.00081%); highest among the groups gnomAD compares: Admixed American, 0.0083%; no homozygotes.

Submission:

CeGaT Center for Human Genetics Tuebingen
Classification: Likely benign. Last evaluated: 2026-07-01. Review status: criteria provided, single submitter. Criteria: CeGaT Center For Human Genetics Tuebingen Variant Classification Criteria Version 2. Collection method: clinical testing. Allele origin: germline. Affected: yes. Observed: 1 variant allele.
Comment: HERC2: BP4, BP7